The following is an entry in ClinVar:

ClinVar aggregate classification (germline): Uncertain significance (1 of 4 stars; one submission).

gnomAD v4.1: 39 of 1,613,918 alleles (0.0024%); highest among the groups gnomAD compares: Non-Finnish European, 0.003%; no homozygotes.

Submission:

Labcorp Genetics (formerly Invitae), Labcorp
Classification: Uncertain significance. Last evaluated: 2025-06-22. Review status: criteria provided, single submitter. Criteria: Invitae Variant Classification Sherloc (09022015). Collection method: clinical testing. Allele origin: germline.
Comment: This sequence change replaces arginine, which is basic and polar, with tryptophan, which is neutral and slightly polar, at codon 760 of the ACTN1 protein (p.Arg760Trp). This variant is present in population databases (rs781540049, gnomAD 0.005%). This variant has not been reported in the literature in individuals affected with ACTN1-related conditions. An algorithm developed to predict the effect of missense changes on protein structure and function (PolyPhen-2) suggests that this variant is likely to be disruptive. In summary, the available evidence is currently insufficient to determine the role of this variant in disease. Therefore, it has been classified as a Variant of Uncertain Significance.

NM_001130004.2(ACTN1):c.2278C>T (p.Arg760Trp)

Gene: ACTN1 (actinin alpha 1; minus strand). Cytogenetic location: 14q24.1.
Variant type: single nucleotide variant.
Coding change: c.2278C>T on transcript NM_001130004.2 (MANE Select); coding-DNA position 2278, C replaced by T.
Protein change: p.Arg760Trp; replaces arginine 760 with tryptophan.
Molecular consequence: missense variant.
Genome position (GRCh38, 1-based): chr14:68,879,964, G>A on the plus strand (C>T on the coding strand, the complement: ACTN1 is on the minus strand). VCF-style: chr14-68879964-G-A. GRCh37 (hg19) VCF-style: chr14-69346681-G-A.
Other names: c.2278C>T, p.Arg760Trp (NM_001102.4, NM_001130005.2, NM_001424012.1 and 2 more transcripts); c.2302C>T, p.Arg768Trp (NM_001411035.1, NM_001424016.1); c.2083C>T, p.Arg695Trp (NM_001411036.1, NM_001424026.1, NM_001424028.1); c.2404C>T, p.Arg802Trp (NM_001424013.1); c.2365C>T, p.Arg789Trp (NM_001424015.1); c.2275C>T, p.Arg759Trp (NM_001424017.1); c.2239C>T, p.Arg747Trp (NM_001424018.1); c.2095C>T, p.Arg699Trp (NM_001424019.1, NM_001424024.1, NM_001424025.1 and 2 more transcripts); and 3 more; short protein forms R737W, R747W, R485W, R760W, R768W, R802W, R695W, R699W.
Identifiers: ClinVar variation 4776892 (VCV004776892.1).